The following is an entry in ClinVar:

NM_006757.4(TNNT3):c.*36C>T

Gene: TNNT3 (troponin T3, fast skeletal type; plus strand). Cytogenetic location: 11p15.5.
Variant type: single nucleotide variant.
Coding change: c.*36C>T on transcript NM_006757.4 (MANE Select); 36 bases downstream of the stop codon, C replaced by T.
Molecular consequence: 3 prime UTR variant.
Genome position (GRCh38, 1-based): chr11:1,938,528, C>T. VCF-style: chr11-1938528-C-T. GRCh37 (hg19) VCF-style: chr11-1959758-C-T.
Other names: c.*36C>T (NM_001042780.3, NM_001042781.3, NM_001042782.3 and 13 more transcripts).
Identifiers: ClinVar variation 260023 (VCV000260023.10), dbSNP rs147535560, ClinGen allele CA5816680.

ClinVar aggregate classification (germline): Benign/Likely benign. Review status: criteria provided, multiple submitters, no conflicts (2 of 4 stars). 4 submissions from 4 submitters: Benign (2); Likely benign (2). Last evaluated 2019-11-13.

Conditions:
Distal arthrogryposis type 2B1 (DA2B1). Also called: Arthrogryposis multiplex congenita distal type II with craniofacial abnormalities. Identifiers: Orphanet 1147, MedGen C5193014, MONDO:0020820, OMIM 601680.

Allele frequency attached by ClinVar (database versions not stated): ESP Exome Variant Server 0.00077; gnomAD 0.00188; 1000 Genomes Project 30x 0.00593; 1000 Genomes Project 0.00639; gnomAD exomes 0.00866; TOPMed 0.00334; ExAC 0.00793.
gnomAD v4.1: 3,045 of 1,605,742 alleles (0.19%); highest among the groups gnomAD compares: Admixed American, 4.5%; 84 homozygotes.

Submissions (4):

GeneDx
Classification: Benign. Last evaluated: 2019-11-13. Review status: criteria provided, single submitter. Criteria: GeneDx Variant Classification Process June 2021. Collection method: clinical testing. Allele origin: germline. Affected: yes.

Illumina Laboratory Services, Illumina
Classification: Benign for Distal arthrogryposis type 2B1. Last evaluated: 2018-01-12. Review status: criteria provided, single submitter. Criteria: ICSL Variant Classification Criteria 13 December 2019. Collection method: clinical testing. Allele origin: germline.
Comment: This variant was observed in the ICSL laboratory as part of a predisposition screen in an ostensibly healthy population. It had not been previously curated by ICSL or reported in the Human Gene Mutation Database (HGMD: prior to June 1st, 2018), and was therefore a candidate for classification through an automated scoring system. Utilizing variant allele frequency, disease prevalence and penetrance estimates, and inheritance mode, an automated score was calculated to assess if this variant is too frequent to cause the disease. Based on the score and internal cut-off values, a variant classified as benign is not then subjected to further curation. The score for this variant resulted in a classification of benign for this disease.

Breakthrough Genomics
Classification: Likely benign. Review status: criteria provided, single submitter. Criteria: ACMG Guidelines, 2015. Collection method: not provided. Allele origin: germline. Inheritance: Autosomal dominant inheritance. Affected: yes.

PreventionGenetics, part of Exact Sciences
Classification: Likely benign. Review status: criteria provided, single submitter. Criteria: ACMG Guidelines, 2015. Collection method: clinical testing. Allele origin: germline.